The following is an entry in ClinVar:

ClinVar aggregate classification (germline): Benign. Review status: criteria provided, multiple submitters, no conflicts (2 of 4 stars). 2 submissions from 2 submitters: Benign (2). Last evaluated 2018-06-16.

Allele frequency attached by ClinVar (database versions not stated): gnomAD exomes 0.00462; gnomAD 0.04371 and 0.04649; TOPMed 0.04846; 1000 Genomes Project 0.05391; 1000 Genomes Project 30x 0.06074.
gnomAD v4.1: 13,103 of 1,485,352 alleles (0.88%); highest among the groups gnomAD compares: African/African-American, 15%; 913 homozygotes.

Submissions (2):

GeneDx
Classification: Benign. Last evaluated: 2018-06-16. Review status: criteria provided, single submitter. Criteria: GeneDx Variant Classification (06012015). Collection method: clinical testing. Allele origin: germline. Affected: yes.
Comment: This variant is considered likely benign or benign based on one or more of the following criteria: it is a conservative change, it occurs at a poorly conserved position in the protein, it is predicted to be benign by multiple in silico algorithms, and/or has population frequency not consistent with disease.

Breakthrough Genomics
Classification: Benign. Review status: criteria provided, single submitter. Criteria: ACMG Guidelines, 2015. Collection method: not provided. Allele origin: germline. Inheritance: Autosomal dominant inheritance. Affected: yes.

NM_003073.5(SMARCB1):c.987-109C>T

Gene: SMARCB1 (SWI/SNF related BAF chromatin remodeling complex subunit B1; plus strand). Cytogenetic location: 22q11.23.
Variant type: single nucleotide variant.
Coding change: c.987-109C>T on transcript NM_003073.5 (MANE Select); 109 bases into the intron before coding-DNA position 987, C replaced by T.
Molecular consequence: intron variant.
Genome position (GRCh38, 1-based): chr22:23,833,463, C>T. VCF-style: chr22-23833463-C-T. GRCh37 (hg19) VCF-style: chr22-24175650-C-T.
Other names: c.1041-109C>T (NM_001362877.2); c.1014-109C>T (NM_001317946.2); c.960-109C>T (NM_001007468.3).
Identifiers: ClinVar variation 677800 (VCV000677800.2), dbSNP rs35882817, ClinGen allele CA14973846.